The following is an entry in ClinVar:

NM_033056.4(PCDH15):c.5557A>C (p.Met1853Leu)

Gene: PCDH15 (protocadherin related 15; minus strand). Cytogenetic location: 10q21.1.
Variant type: single nucleotide variant.
Coding change: c.5557A>C on transcript NM_033056.4 (MANE Plus Clinical); coding-DNA position 5557, A replaced by C.
Protein change: p.Met1853Leu; replaces methionine 1853 with leucine.
Molecular consequence: missense variant. On other transcripts: intron variant (8).
Genome position (GRCh38, 1-based): chr10:53,822,169, T>G on the plus strand (A>C on the coding strand, the complement: PCDH15 is on the minus strand). VCF-style: chr10-53822169-T-G. GRCh37 (hg19) VCF-style: chr10-55581929-T-G.
Other names: c.5578A>C, p.Met1860Leu (NM_001142763.2); c.5563A>C, p.Met1855Leu (NM_001142764.2); c.5350A>C, p.Met1784Leu (NM_001142765.2); c.5548A>C, p.Met1850Leu (NM_001142766.2); c.5437A>C, p.Met1813Leu (NM_001142767.2); c.5497A>C, p.Met1833Leu (NM_001142768.2); c.5488A>C, p.Met1830Leu (NM_001142773.2); c.5491A>C, p.Met1831Leu (NM_001354404.2); and 7 more; short protein forms M1853L, M1813L, M1833L, M1855L, M1860L, M1830L, M1831L, M1850L.
Identifiers: ClinVar variation 177747 (VCV000177747.47), dbSNP rs145903555, ClinGen allele CA180692.

ClinVar aggregate classification (germline): Benign/Likely benign. Review status: criteria provided, multiple submitters, no conflicts (2 of 4 stars). 10 submissions from 10 submitters: Benign (1); Likely benign (5). 4 of the submissions do not count toward it. Last evaluated 2026-08-01.

Conditions:
PCDH15-related disorder. Also called: PCDH15-related condition; PCDH15-related disorders.
Usher syndrome type 1 (USH1). Also called: RETINITIS PIGMENTOSA AND CONGENITAL DEAFNESS. Identifiers: Orphanet 231169, Orphanet 886, MedGen C1568247, MONDO:0010168, OMIM 276900.
Usher syndrome type 1F (USH1F). Also called: USHER SYNDROME, TYPE IF. Identifiers: Orphanet 231169, Orphanet 886, MedGen C1865885, MONDO:0011186, OMIM 602083.

Allele frequency attached by ClinVar (database versions not stated): gnomAD exomes 0.00067; gnomAD 0.00020 and 0.00032; ESP Exome Variant Server 0.00023; 1000 Genomes Project 0.00060; ExAC 0.00066; TOPMed 0.00017; 1000 Genomes Project 30x 0.00047.
gnomAD v4.1: 607 of 1,614,040 alleles (0.038%); highest among the groups gnomAD compares: South Asian, 0.37%; 6 homozygotes.

Submissions (10):

CeGaT Center for Human Genetics Tuebingen
Classification: Likely benign. Last evaluated: 2026-08-01. Review status: criteria provided, single submitter. Criteria: CeGaT Center For Human Genetics Tuebingen Variant Classification Criteria Version 2. Collection method: clinical testing. Allele origin: germline. Affected: yes. Observed: 5 variant alleles.
Comment: PCDH15: BP4

Labcorp Genetics (formerly Invitae), Labcorp
Classification: Benign. Last evaluated: 2026-01-24. Review status: criteria provided, single submitter. Criteria: Invitae Variant Classification Sherloc (09022015). Collection method: clinical testing. Allele origin: germline.

Blueprint Genetics
Classification: Likely benign. Last evaluated: 2024-11-12. Review status: criteria provided, single submitter. Criteria: ACMG Guidelines, 2015. Collection method: clinical testing. Allele origin: germline.

GeneDx
Classification: Likely benign. Last evaluated: 2021-03-30. Review status: criteria provided, single submitter. Criteria: GeneDx Variant Classification Process June 2021. Collection method: clinical testing. Allele origin: germline. Affected: yes.
Comment: This variant is associated with the following publications: (PMID: 30245029, 21569298, 18727382, 15028842, 12711741, 25262649, 20672374)

Illumina Laboratory Services, Illumina
Classification: Likely benign for Usher syndrome type 1. Last evaluated: 2017-06-24. Review status: criteria provided, single submitter. Criteria: ICSL Variant Classification Criteria 13 December 2019. Collection method: clinical testing. Allele origin: germline.
Comment: This variant was observed as part of a predisposition screen in an ostensibly healthy population. A literature search was performed for the gene, cDNA change, and amino acid change (where applicable). Publications were found based on this search. The evidence from the literature, in combination with allele frequency data from public databases where available, was sufficient to determine this variant is unlikely to cause disease. Therefore, this variant is classified as likely benign.

Laboratory for Molecular Medicine, Mass General Brigham Personalized Medicine
Classification: Likely benign. Last evaluated: 2016-02-25. Review status: criteria provided, single submitter. Criteria: LMM Criteria. Collection method: clinical testing. Allele origin: germline. Observed: 2 variant alleles.
Comment: p.Met1853Leu in exon 33 of PCDH15: This variant is not expected to have clinica l significance because it has been identified in 0.4% (61/16510) of South Asian chromosomes, including 1 homozygote, by the Exome Aggregation Consortium (ExAC; dbSNP rs145903555). In addition, computational prediction tools and conservation a nalyses suggest that this variant may not impact the protein. In summary, due t o the frequency of this variant in the general population, it is likely benign.

PreventionGenetics, part of Exact Sciences
Classification: Likely benign for PCDH15-related condition. Last evaluated: 2022-03-10. Review status: no assertion criteria provided. Collection method: clinical testing. Allele origin: germline. Not counted in ClinVar's aggregate classification.
Comment: This variant is classified as likely benign based on ACMG/AMP sequence variant interpretation guidelines (Richards et al. 2015 PMID: 25741868, with internal and published modifications).

Natera, Inc.
Classification: Likely benign for Usher syndrome type 1F. Last evaluated: 2020-01-27. Review status: no assertion criteria provided. Collection method: clinical testing. Allele origin: germline. Not counted in ClinVar's aggregate classification.

Clinical Genetics DNA and cytogenetics Diagnostics Lab, Erasmus MC, Erasmus Medical Center
Classification: Likely benign. Review status: no assertion criteria provided. Collection method: clinical testing. Allele origin: germline. Affected: yes. Study: VKGL Data-share Consensus. Not counted in ClinVar's aggregate classification.

Clinical Genetics, Academic Medical Center
Classification: Benign. Review status: no assertion criteria provided. Collection method: clinical testing. Allele origin: germline. Affected: yes. Study: VKGL Data-share Consensus. Not counted in ClinVar's aggregate classification.

Literature cited by the submitters: PubMed 12711741 (cited by Illumina Laboratory Services, Illumina and Laboratory for Molecular Medicine, Mass General Brigham Personalized Medicine); PubMed 25262649 (cited by Illumina Laboratory Services, Illumina and Laboratory for Molecular Medicine, Mass General Brigham Personalized Medicine); PubMed 15028842 (cited by Illumina Laboratory Services, Illumina); PubMed 20672374 (cited by Illumina Laboratory Services, Illumina).